The following is an entry in ClinVar:

NM_021619.3(PRDM12):c.6G>A (p.Met2Ile)

Gene: PRDM12 (PR/SET domain 12; plus strand). Cytogenetic location: 9q34.12.
Variant type: single nucleotide variant.
Coding change: c.6G>A on transcript NM_021619.3 (MANE Select); coding-DNA position 6, G replaced by A.
Protein change: p.Met2Ile; replaces methionine 2 with isoleucine.
Molecular consequence: missense variant.
Genome position (GRCh38, 1-based): chr9:130,664,659, G>A. VCF-style: chr9-130664659-G-A. GRCh37 (hg19) VCF-style: chr9-133540046-G-A.
Other names: short protein forms M2I.
Identifiers: ClinVar variation 3365401 (VCV003365401.3).
Genomic context (GRCh38, chr9:130,664,659, plus strand): 5'-CCACCTCCCCCGTCGGCCCGGCCGTCCCCCGGCGCCGGGGAGCTCCGGGCCGCCCATGAT[G>A]GGCTCCGTGCTCCCGGCTGAGGCCCTGGTGCTCAAGACCGGGCTGAAGGCGCCGGGACTG-3'
Protein context (NP_067632.2, residues 1-12): M[Met2Ile]GSVLPAEALV

ClinVar aggregate classification (germline): Uncertain significance. Review status: criteria provided, multiple submitters, no conflicts (2 of 4 stars). 2 submissions from 2 submitters: Uncertain significance (2). Last evaluated 2025-12-01.

Conditions:
Inborn genetic diseases. Identifiers: MedGen C0950123, MeSH D030342.

Submissions (2):

GeneDx
Classification: Uncertain significance. Last evaluated: 2025-12-01. Review status: criteria provided, single submitter. Criteria: GeneDx Variant Classification Process June 2021. Collection method: clinical testing. Allele origin: germline.
Comment: Not observed at significant frequency in large population cohorts (gnomAD); In silico analysis suggests that this missense variant does not alter protein structure/function; Has not been previously published as pathogenic or benign to our knowledge

Ambry Genetics
Classification: Uncertain significance for Inborn genetic diseases. Last evaluated: 2024-07-10. Review status: criteria provided, single submitter. Criteria: Ambry Variant Classification Scheme 2023. Collection method: clinical testing. Allele origin: germline.